The following is an entry in ClinVar:

ClinVar aggregate classification (germline): Uncertain significance (1 of 4 stars; one submission).

gnomAD v4.1: 1 of 1,613,960 alleles (0.000062%); highest among the groups gnomAD compares: Non-Finnish European, 0.000085%; no homozygotes.

Submission:

Athena Diagnostics
Classification: Uncertain significance. Last evaluated: 2024-02-09. Review status: criteria provided, single submitter. Criteria: Athena Diagnostics Criteria. Collection method: clinical testing. Allele origin: unknown.
Comment: Available data are insufficient to determine the clinical significance of the variant at this time. This variant has not been reported in large, multi-ethnic general populations. Computational tools predict that this variant is not damaging.

NM_181882.3(PRX):c.2875G>A (p.Val959Ile)

Gene: PRX (periaxin; minus strand). Cytogenetic location: 19q13.2.
Variant type: single nucleotide variant.
Coding change: c.2875G>A on transcript NM_181882.3 (MANE Select); coding-DNA position 2875, G replaced by A.
Protein change: p.Val959Ile; replaces valine 959 with isoleucine.
Molecular consequence: missense variant. On other transcripts: 3 prime UTR variant (1).
Genome position (GRCh38, 1-based): chr19:40,395,477, C>T on the plus strand (G>A on the coding strand, the complement: PRX is on the minus strand). VCF-style: chr19-40395477-C-T. GRCh37 (hg19) VCF-style: chr19-40901384-C-T.
Other names: c.3160G>A, p.Val1054Ile (NM_001411127.1); c.*3080G>A (NM_020956.2); short protein forms V1054I, V959I.
Identifiers: ClinVar variation 3571656 (VCV003571656.1).